The following is an entry in ClinVar:

NM_012330.4(KAT6B):c.6007A>T (p.Asn2003Tyr)

Gene: KAT6B (lysine acetyltransferase 6B; plus strand). Cytogenetic location: 10q22.2.
Variant type: single nucleotide variant.
Coding change: c.6007A>T on transcript NM_012330.4 (MANE Select); coding-DNA position 6007, A replaced by T.
Protein change: p.Asn2003Tyr; replaces asparagine 2003 with tyrosine.
Molecular consequence: missense variant.
Genome position (GRCh38, 1-based): chr10:75,030,831, A>T. VCF-style: chr10-75030831-A-T. GRCh37 (hg19) VCF-style: chr10-76790589-A-T.
Other names: c.5458A>T, p.Asn1820Tyr (NM_001256468.2, NM_001370138.1); c.5131A>T, p.Asn1711Tyr (NM_001256469.2, NM_001370139.1, NM_001370140.1 and 2 more transcripts); c.4969A>T, p.Asn1657Tyr (NM_001370132.1); c.4318A>T, p.Asn1440Tyr (NM_001370133.1); c.3922A>T, p.Asn1308Tyr (NM_001370134.1); c.3664A>T, p.Asn1222Tyr (NM_001370135.1); c.6007A>T, p.Asn2003Tyr (NM_001370136.1, NM_001370137.1); c.4942A>T, p.Asn1648Tyr (NM_001370143.1, NM_001370144.1); short protein forms N1648Y, N1657Y, N1308Y, N1440Y, N1711Y, N1820Y, N2003Y, N1222Y.
Identifiers: ClinVar variation 3393776 (VCV003393776.1).

ClinVar aggregate classification (germline): Uncertain significance (1 of 4 stars; one submission).

Submission:

GeneDx
Classification: Uncertain significance. Last evaluated: 2024-07-03. Review status: criteria provided, single submitter. Criteria: GeneDx Variant Classification Process June 2021. Collection method: clinical testing. Allele origin: germline. Affected: yes.
Comment: Not observed at significant frequency in large population cohorts (gnomAD); In silico analysis supports that this missense variant has a deleterious effect on protein structure/function; Has not been previously published as pathogenic or benign to our knowledge